The following is an entry in ClinVar:

NM_001365951.3(KIF1B):c.4854T>G (p.Asp1618Glu)

Gene: KIF1B (kinesin family member 1B; plus strand). Cytogenetic location: 1p36.22.
Variant type: single nucleotide variant.
Coding change: c.4854T>G on transcript NM_001365951.3 (MANE Select); coding-DNA position 4854, T replaced by G.
Protein change: p.Asp1618Glu; replaces aspartic acid 1618 with glutamic acid.
Molecular consequence: missense variant.
Genome position (GRCh38, 1-based): chr1:10,371,170, T>G. VCF-style: chr1-10371170-T-G. GRCh37 (hg19) VCF-style: chr1-10431228-T-G.
Other names: c.4854T>G, p.Asp1618Glu (NM_001365952.1); c.4716T>G, p.Asp1572Glu (NM_015074.3); short protein forms D1572E, D1618E.
Identifiers: ClinVar variation 4841876 (VCV004841876.1).

ClinVar aggregate classification (germline): Uncertain significance (1 of 4 stars; one submission).

gnomAD v4.1: 1 of 1,614,116 alleles (0.000062%); highest among the groups gnomAD compares: Non-Finnish European, 0.000085%; no homozygotes.

Submission:

Ambry Genetics
Classification: Uncertain significance. Last evaluated: 2025-12-22. Review status: criteria provided, single submitter. Criteria: Ambry Variant Classification Scheme 2023. Collection method: clinical testing. Allele origin: germline.
Comment: The p.D1572E variant (also known as c.4716T>G), located in coding exon 42 of the KIF1B gene, results from a T to G substitution at nucleotide position 4716. The aspartic acid at codon 1572 is replaced by glutamic acid, an amino acid with highly similar properties. This amino acid position is conserved. In addition, this alteration is predicted to be tolerated by in silico analysis. Based on the available evidence, the clinical significance of this variant remains unclear.